The following is an entry in ClinVar:

NM_001127511.3(APC):c.-61T>A

Gene: APC (APC regulator of Wnt signaling pathway; plus strand). Cytogenetic location: 5q22.2.
Variant type: single nucleotide variant.
Coding change: c.-61T>A on transcript NM_001127511.3; 61 bases upstream of the start codon, T replaced by A.
Molecular consequence: 5 prime UTR variant. On other transcripts: non-coding transcript variant (1), intron variant (5).
Genome position (GRCh38, 1-based): chr5:112,707,657, T>A. VCF-style: chr5-112707657-T-A. GRCh37 (hg19) VCF-style: chr5-112043354-T-A.
Other names: c.-244T>A (NM_001354895.2, NM_001407447.1, NM_001407452.1 and 3 more transcripts); c.-61T>A (NM_001354897.2, NM_001354902.2, NM_001407446.1); c.-1279T>A (NM_001407470.1, NM_001407472.1); c.-19+8T>A (NM_001407448.1, NM_001407450.1, NM_001407457.1 and 1 more transcripts); c.-43+8T>A (NM_001407453.1).
Identifiers: ClinVar variation 1350600 (VCV001350600.6), dbSNP rs1554060241, ClinGen allele CA2573138790.

ClinVar aggregate classification (germline): Uncertain significance (1 of 4 stars; one submission).

Conditions:
Familial adenomatous polyposis 1 (FAP1). Also called: FAMILIAL ADENOMATOUS POLYPOSIS 1, ATTENUATED; POLYPOSIS, ADENOMATOUS INTESTINAL. Identifiers: MedGen C2713442, MONDO:0021056, OMIM 175100. Disease mechanism: loss of function.

Submission:

Labcorp Genetics (formerly Invitae), Labcorp
Classification: Uncertain significance for Familial adenomatous polyposis 1. Last evaluated: 2021-03-15. Review status: criteria provided, single submitter. Criteria: Invitae Variant Classification Sherloc (09022015). Collection method: clinical testing. Allele origin: germline.
Comment: The frequency data for this variant in the population databases is considered unreliable, as metrics indicate insufficient coverage at this position in the ExAC database. In summary, the available evidence is currently insufficient to determine the role of this variant in disease. Therefore, it has been classified as a Variant of Uncertain Significance. Experimental studies and prediction algorithms are not available or were not evaluated, and the functional significance of this variant is currently unknown. This variant has not been reported in the literature in individuals with APC-related conditions. This variant occurs in a non-coding region of the APC gene. It does not change the encoded amino acid sequence of the APC protein.